The following is an entry in ClinVar:

NM_001100.4(ACTA1):c.334del (p.Leu112fs)

Gene: ACTA1 (actin alpha 1, skeletal muscle; minus strand). Cytogenetic location: 1q42.13.
Variant type: Deletion.
Coding change: c.334del on transcript NM_001100.4 (MANE Select); coding-DNA position 334, one base deleted (C; older notation c.334delC).
Protein change: p.Leu112fs; shifts the reading frame from leucine 112.
Molecular consequence: frameshift variant.
Genome position (GRCh38, 1-based): chr1:229,432,676, G deleted on the plus strand (C on the coding strand, the reverse complement: ACTA1 is on the minus strand); the first of 6 consecutive G bases (chr1:229,432,676-229,432,681); deleting any one gives the same sequence. VCF-style (leftmost placement, unchanged base first): chr1-229432675-AG-A. GRCh37 (hg19) VCF-style: chr1-229568422-AG-A.
Other names: c.334delC (NM_001100.3); short protein forms L112fs.
Identifiers: ClinVar variation 4998056 (VCV004998056.1).
Genomic context (GRCh38, chr1:229,432,675, plus strand): 5'-GGCACGTTGAAGGTCTCAAACATGATCTGGGTCATCTTCTCGCGGTTGGCCTTGGGATTG[AG>A]GGGGGCCTCGGTGAGCAGGGTGGGGTGCTCCTCGGGAGCCACGCGAAGCTCGTTGTAGAA-3'

ClinVar aggregate classification (germline): Likely pathogenic (1 of 4 stars; one submission).

Conditions:
ACTA1-related disorder. Also called: ACTA1-related condition.

Submission:

PreventionGenetics, part of Exact Sciences
Classification: Likely pathogenic for ACTA1-related condition. Last evaluated: 2025-08-12. Review status: criteria provided, single submitter. Criteria: ACMG Guidelines, 2015. Collection method: clinical testing. Allele origin: germline.
Comment: The ACTA1 c.334delC variant is predicted to result in a frameshift and premature protein termination (p.Leu112Serfs*10). To our knowledge, this variant has not been reported in the literature or in a large population database (gnomAD), indicating this variant is rare. Frameshift variants in ACTA1 are expected to be pathogenic. This variant is interpreted as likely pathogenic associated with recessive forms of myopathy.